The following is an entry in ClinVar:

NM_001358530.2(MOCS1):c.823T>C (p.Trp275Arg)

Gene: MOCS1 (molybdenum cofactor synthesis 1; minus strand). Cytogenetic location: 6p21.2.
Variant type: single nucleotide variant.
Coding change: c.823T>C on transcript NM_001358530.2 (MANE Select); coding-DNA position 823, T replaced by C.
Protein change: p.Trp275Arg; replaces tryptophan 275 with arginine.
Molecular consequence: missense variant. On other transcripts: non-coding transcript variant (1).
Genome position (GRCh38, 1-based): chr6:39,912,939, A>G on the plus strand (T>C on the coding strand, the complement: MOCS1 is on the minus strand). VCF-style: chr6-39912939-A-G. GRCh37 (hg19) VCF-style: chr6-39880683-A-G.
Other names: c.823T>C, p.Trp275Arg (NM_001075098.4, NM_001358529.2, NM_005943.6); c.562T>C, p.Trp188Arg (NM_001358531.2, NM_001358533.2, NM_001358534.2); short protein forms W275R, W188R.
Identifiers: ClinVar variation 1507417 (VCV001507417.3), dbSNP rs779576648, ClinGen allele CA3796140.

ClinVar aggregate classification (germline): Uncertain significance (1 of 4 stars; one submission).

Conditions:
Sulfite oxidase deficiency due to molybdenum cofactor deficiency type A. Also called: Molybdenum cofactor deficiency, complementation group A; Molybdenum Cofactor Deficiency A. Identifiers: Orphanet 308386, Orphanet 833, MedGen C1854988, MONDO:0009643, OMIM 252150.

Allele frequency attached by ClinVar (database versions not stated): TOPMed below 0.00001.
gnomAD v4.1: 57 of 1,614,092 alleles (0.0035%); highest among the groups gnomAD compares: Non-Finnish European, 0.0047%; no homozygotes.

Submission:

Labcorp Genetics (formerly Invitae), Labcorp
Classification: Uncertain significance for Sulfite oxidase deficiency due to molybdenum cofactor deficiency type A. Last evaluated: 2021-10-19. Review status: criteria provided, single submitter. Criteria: Invitae Variant Classification Sherloc (09022015). Collection method: clinical testing. Allele origin: germline.
Comment: This sequence change replaces tryptophan with arginine at codon 275 of the MOCS1 protein (p.Trp275Arg). The tryptophan residue is highly conserved and there is a moderate physicochemical difference between tryptophan and arginine. This variant is present in population databases (rs779576648, ExAC 0.003%). This variant has not been reported in the literature in individuals affected with MOCS1-related conditions. Experimental studies and prediction algorithms are not available or were not evaluated, and the functional significance of this variant is currently unknown. In summary, the available evidence is currently insufficient to determine the role of this variant in disease. Therefore, it has been classified as a Variant of Uncertain Significance.